The following is an entry in ClinVar:

NC_000001.11:g.224435176C>G

Genes: CNIH3 (cornichon family AMPA receptor auxiliary protein 3; plus strand), WDR26 (WD repeat domain 26; minus strand). Cytogenetic location: 1q42.12.
Variant type: single nucleotide variant.
Molecular consequence: missense variant (on NM_001322302.2). On other transcripts: 5 prime UTR variant (1), non-coding transcript variant (7).
Genome position: GRCh38 VCF-style: chr1-224435176-C-G. GRCh37 (hg19) VCF-style: chr1-224622878-C-G.
Other names: c.88C>G, p.Gln30Glu (NM_001322302.2, NM_001322303.2); c.-129C>G (NM_001322304.2); short protein forms Q30E.
Identifiers: ClinVar variation 1879112 (VCV001879112.26), dbSNP rs536475488, ClinGen allele CA38748467.

ClinVar aggregate classification (germline): Benign (1 of 4 stars; one submission).

Allele frequency attached by ClinVar (database versions not stated): 1000 Genomes Project 30x 0.00094; gnomAD 0.00122; TOPMed 0.00153; 1000 Genomes Project 0.00100.
gnomAD v4.1: 298 of 986,258 alleles (0.03%); highest among the groups gnomAD compares: African/African-American, 0.49%; no homozygotes.

Submission:

CeGaT Center for Human Genetics Tuebingen
Classification: Benign. Last evaluated: 2022-10-01. Review status: criteria provided, single submitter. Criteria: CeGaT Center For Human Genetics Tuebingen Variant Classification Criteria Version 2. Collection method: clinical testing. Allele origin: germline. Affected: yes. Observed: 2 variant alleles.
Comment: WDR26: BS1, BS2